The following is an entry in ClinVar:

ClinVar aggregate classification (germline): Uncertain significance (1 of 4 stars; one submission).

Conditions:
Dilated cardiomyopathy 1Z (CMD1Z). Identifiers: Orphanet 154, MedGen C2678475, MONDO:0012745, OMIM 611879.
Hypertrophic cardiomyopathy 13. Also called: TNNC1-Related Familial Hypertrophic Cardiomyopathy. Identifiers: MedGen C2750472, MONDO:0013195, OMIM 613243.

Allele frequency attached by ClinVar (database versions not stated): gnomAD exomes below 0.00001.
gnomAD v4.1: 1 of 1,614,088 alleles (0.000062%); highest among the groups gnomAD compares: Non-Finnish European, 0.000085%; no homozygotes.

Submission:

Labcorp Genetics (formerly Invitae), Labcorp
Classification: Uncertain significance for Hypertrophic cardiomyopathy 13; Dilated cardiomyopathy 1Z. Last evaluated: 2022-12-29. Review status: criteria provided, single submitter. Criteria: Invitae Variant Classification Sherloc (09022015). Collection method: clinical testing. Allele origin: germline.
Comment: In summary, the available evidence is currently insufficient to determine the role of this variant in disease. Therefore, it has been classified as a Variant of Uncertain Significance. Algorithms developed to predict the effect of missense changes on protein structure and function (SIFT, PolyPhen-2, Align-GVGD) all suggest that this variant is likely to be disruptive. This variant has not been reported in the literature in individuals affected with TNNC1-related conditions. This variant is not present in population databases (gnomAD no frequency). This sequence change replaces aspartic acid, which is acidic and polar, with valine, which is neutral and non-polar, at codon 145 of the TNNC1 protein (p.Asp145Val).

NM_003280.3(TNNC1):c.434A>T (p.Asp145Val)

Gene: TNNC1 (troponin C1, slow skeletal and cardiac type; minus strand). Cytogenetic location: 3p21.1.
Variant type: single nucleotide variant.
Coding change: c.434A>T on transcript NM_003280.3 (MANE Select); coding-DNA position 434, A replaced by T.
Protein change: p.Asp145Val; replaces aspartic acid 145 with valine.
Molecular consequence: missense variant.
Genome position (GRCh38, 1-based): chr3:52,451,411, T>A on the plus strand (A>T on the coding strand, the complement: TNNC1 is on the minus strand). VCF-style: chr3-52451411-T-A. GRCh37 (hg19) VCF-style: chr3-52485427-T-A.
Other names: short protein forms D145V.
Identifiers: ClinVar variation 2942757 (VCV002942757.3), dbSNP rs2471443607, ClinGen allele CA353165091.